The following is an entry in ClinVar:

NM_006186.4(NR4A2):c.-2-8del

Gene: NR4A2 (nuclear receptor subfamily 4 group A member 2; minus strand). Cytogenetic location: 2q24.1.
Variant type: Deletion.
Coding change: c.-2-8del on transcript NM_006186.4 (MANE Select); 8 bases into the intron before 2 bases upstream of the start codon, one base deleted (A; older notation c.-2-8delA).
Molecular consequence: intron variant.
Genome position (GRCh38, 1-based): chr2:156,330,196, T deleted on the plus strand (A on the coding strand, the reverse complement: NR4A2 is on the minus strand). VCF-style (leftmost placement, unchanged base first): chr2-156330195-AT-A. GRCh37 (hg19) VCF-style: chr2-157186707-AT-A.
Other names: HZF-3; NOT; NURR1; RNR1; TINUR,; c.-13-186del (NM_173173.3).
Identifiers: ClinVar variation 3338474 (VCV003338474.2).

ClinVar aggregate classification (germline): Uncertain significance (1 of 4 stars; one submission).

Conditions:
Intellectual developmental disorder with language impairment and early-onset DOPA-responsive dystonia-parkinsonism (IDLDP). Identifiers: Orphanet 660017, MedGen C5677001, MONDO:0859257, OMIM 619911.

Submission:

Center Lab, King Abdulaziz University
Classification: Uncertain significance for Intellectual developmental disorder with language impairment and early-onset DOPA-responsive dystonia-parkinsonism. Last evaluated: 2024-08-23. Review status: criteria provided, single submitter. Criteria: ACMG Guidelines, 2015. Collection method: case-control. Allele origin: de novo. Inheritance: Autosomal dominant inheritance. Affected: yes. Observed: 1 heterozygote.
Comment: The NM_006186.4(NR4A2):c.-2-8del variant causes a splice region, splice polypyrimidine tract, intron change involving the alteration of a non-conserved nucleotide. The variant is located 8 base pair upstream the canonical splice site, and therefore it was predicted to be of no significant impact on normal splicing. Criteria applied: BP4 (strong), PM2 (supporting).

Literature cited by the submitters: PubMed 38440907.